The following is an entry in ClinVar:

NM_014727.3(KMT2B):c.1967A>C (p.Glu656Ala)

Gene: KMT2B (lysine methyltransferase 2B; plus strand). Cytogenetic location: 19q13.12.
Variant type: single nucleotide variant.
Coding change: c.1967A>C on transcript NM_014727.3 (MANE Select); coding-DNA position 1967, A replaced by C.
Protein change: p.Glu656Ala; replaces glutamic acid 656 with alanine.
Molecular consequence: missense variant.
Genome position (GRCh38, 1-based): chr19:35,721,314, A>C. VCF-style: chr19-35721314-A-C. GRCh37 (hg19) VCF-style: chr19-36212216-A-C.
Other names: short protein forms E656A.
Identifiers: ClinVar variation 3899187 (VCV003899187.1).

ClinVar aggregate classification (germline): Uncertain significance (1 of 4 stars; one submission).

Submission:

GeneDx
Classification: Uncertain significance. Last evaluated: 2024-11-11. Review status: criteria provided, single submitter. Criteria: GeneDx Variant Classification Process June 2021. Collection method: clinical testing. Allele origin: germline. Affected: yes.
Comment: Not observed at significant frequency in large population cohorts (gnomAD); In silico analysis indicates that this missense variant does not alter protein structure/function; Has not been previously published as pathogenic or benign to our knowledge